The following is an entry in ClinVar:

ClinVar aggregate classification (germline): Uncertain significance (1 of 4 stars; one submission).

Conditions:
Hereditary nonpolyposis colorectal neoplasms. Identifiers: MedGen C0009405, MeSH D003123.

Submission:

Labcorp Genetics (formerly Invitae), Labcorp
Classification: Uncertain significance for Hereditary nonpolyposis colorectal neoplasms. Last evaluated: 2025-01-28. Review status: criteria provided, single submitter. Criteria: Invitae Variant Classification Sherloc (09022015). Collection method: clinical testing. Allele origin: germline.
Comment: This sequence change replaces isoleucine, which is neutral and non-polar, with serine, which is neutral and polar, at codon 416 of the MSH6 protein (p.Ile416Ser). This variant is not present in population databases (gnomAD no frequency). This variant has not been reported in the literature in individuals affected with MSH6-related conditions. Invitae Evidence Modeling of protein sequence and biophysical properties (such as structural, functional, and spatial information, amino acid conservation, physicochemical variation, residue mobility, and thermodynamic stability) has been performed for this missense variant. However, the output from this modeling did not meet the statistical confidence thresholds required to predict the impact of this variant on MSH6 protein function. Algorithms developed to predict the effect of sequence changes on RNA splicing suggest that this variant may create or strengthen a splice site. In summary, the available evidence is currently insufficient to determine the role of this variant in disease. Therefore, it has been classified as a Variant of Uncertain Significance.

NM_000179.3(MSH6):c.1247T>G (p.Ile416Ser)

Gene: MSH6 (mutS homolog 6; plus strand). Cytogenetic location: 2p16.3.
Variant type: single nucleotide variant.
Coding change: c.1247T>G on transcript NM_000179.3 (MANE Select); coding-DNA position 1247, T replaced by G.
Protein change: p.Ile416Ser; replaces isoleucine 416 with serine.
Molecular consequence: missense variant. On other transcripts: non-coding transcript variant (4), intron variant (1).
Genome position (GRCh38, 1-based): chr2:47,799,230, T>G. VCF-style: chr2-47799230-T-G. GRCh37 (hg19) VCF-style: chr2-48026369-T-G.
Other names: c.857T>G, p.Ile286Ser (NM_001281492.2); c.341T>G, p.Ile114Ser (NM_001281493.2, NM_001281494.2, NM_001406823.1 and 6 more transcripts); c.1343T>G, p.Ile448Ser (NM_001406795.1, NM_001406802.1); c.1247T>G, p.Ile416Ser (NM_001406796.1, NM_001406798.1, NM_001406800.1 and 4 more transcripts); c.950T>G, p.Ile317Ser (NM_001406797.1, NM_001406801.1, NM_001406805.1 and 10 more transcripts); c.722T>G, p.Ile241Ser (NM_001406799.1, NM_001406806.1, NM_001406807.1); c.1169T>G, p.Ile390Ser (NM_001406804.1); c.1079T>G, p.Ile360Ser (NM_001406826.1); and 2 more; short protein forms I114S, I317S, I416S, I360S, I390S, I418S, I241S, I286S.
Identifiers: ClinVar variation 3633925 (VCV003633925.2).
Genomic context (GRCh38, chr2:47,799,230, plus strand): 5'-TCTATGTGCCTGAGGATTTCCTCAATTCTTGTACTCCTGGGATGAGGAAGTGGTGGCAGA[T>G]TAAGTCTCAGAACTTTGATCTTGTCATCTGTTACAAGGTGGGGAAATTTTATGAGCTGTA-3'
Protein context (NP_000170.1, residues 406-426): CTPGMRKWWQ[Ile416Ser]KSQNFDLVIC